The following is an entry in ClinVar:

ClinVar aggregate classification (germline): Likely benign. Review status: criteria provided, multiple submitters, no conflicts (2 of 4 stars). 4 submissions from 4 submitters: Likely benign (4). Last evaluated 2026-04-22.

Conditions:
TTN-related disorder. Also called: TTN-related condition; TTN-related disease; TTN-related disorders.
Autosomal recessive limb-girdle muscular dystrophy type 2J (LGMDR10). Also called: Limb-girdle muscular dystrophy, type 2J; MUSCULAR DYSTROPHY, LIMB-GIRDLE, AUTOSOMAL RECESSIVE 10. Identifiers: Orphanet 140922, MedGen C1837342, MONDO:0012127, OMIM 608807.
Dilated cardiomyopathy 1G (CMD1G). Identifiers: Orphanet 154, MedGen C1858763, MONDO:0011400, OMIM 604145.

Allele frequency attached by ClinVar (database versions not stated): gnomAD exomes 0.00001 and 0.00004; ExAC 0.00006; ESP Exome Variant Server 0.00008; gnomAD 0.00015 and 0.00016; TOPMed 0.00015.
gnomAD v4.1: 42 of 1,613,662 alleles (0.0026%); highest among the groups gnomAD compares: African/African-American, 0.048%; no homozygotes.

Submissions (4):

PreventionGenetics, part of Exact Sciences
Classification: Likely benign for TTN-related condition. Last evaluated: 2026-04-22. Review status: criteria provided, single submitter. Criteria: ACMG Guidelines, 2015. Collection method: clinical testing. Allele origin: germline.
Comment: This variant is classified as likely benign based on ACMG/AMP sequence variant interpretation guidelines (Richards et al. 2015 PMID: 25741868, with internal and published modifications).

Labcorp Genetics (formerly Invitae), Labcorp
Classification: Likely benign for Dilated cardiomyopathy 1G; Autosomal recessive limb-girdle muscular dystrophy type 2J. Last evaluated: 2026-01-31. Review status: criteria provided, single submitter. Criteria: Invitae Variant Classification Sherloc (09022015). Collection method: clinical testing. Allele origin: germline.

Women's Health and Genetics/Laboratory Corporation of America, LabCorp
Classification: Likely benign. Last evaluated: 2025-09-15. Review status: criteria provided, single submitter. Criteria: LabCorp Variant Classification Summary - May 2015. Collection method: clinical testing. Allele origin: germline.

GeneDx
Classification: Likely benign. Last evaluated: 2018-04-24. Review status: criteria provided, single submitter. Criteria: GeneDx Variant Classification Process June 2021. Collection method: clinical testing. Allele origin: germline. Affected: yes.

NM_001267550.2(TTN):c.24165C>T (p.Tyr8055=)

Gene: TTN (titin; minus strand). Cytogenetic location: 2q31.2.
Variant type: single nucleotide variant.
Coding change: c.24165C>T on transcript NM_001267550.2 (MANE Select); coding-DNA position 24165, C replaced by T.
Protein change: p.Tyr8055=; no amino-acid change (tyrosine 8055 retained).
Molecular consequence: synonymous variant. On other transcripts: intron variant (3).
Genome position (GRCh38, 1-based): chr2:178,719,225, G>A on the plus strand (C>T on the coding strand, the complement: TTN is on the minus strand). VCF-style: chr2-178719225-G-A. GRCh37 (hg19) VCF-style: chr2-179583952-G-A.
Other names: c.23214C>T, p.Tyr7738= (NM_001256850.1); c.20433C>T, p.Tyr6811= (NM_133378.4); c.13282+18857C>T (NM_003319.4); c.13858+18857C>T (NM_133437.4); c.13657+18857C>T (NM_133432.3).
Identifiers: ClinVar variation 517064 (VCV000517064.14), dbSNP rs376896085, ClinGen allele CA2000491.
Genomic context (GRCh38, chr2:178,719,225, plus strand): 5'-TTGCACAGTCAGGACTGCTGAGCACTCATCGGAACCAGCTACATTGGCAGCCACACACGT[G>A]TATATGCCTGTGTCGGAGGGCTCCAACAAGCTCAGATTCAAAGTACAGACGTTTTCCGAA-3'
Protein context (NP_001254479.2, residues 8045-8065): SLLEPSDTGI[Tyr8055=]TCVAANVAGS